The following is an entry in ClinVar:

NM_014989.7(RIMS1):c.1419G>C (p.Gln473His)

Gene: RIMS1 (regulating synaptic membrane exocytosis 1; plus strand). Cytogenetic location: 6q13.
Variant type: single nucleotide variant.
Coding change: c.1419G>C on transcript NM_014989.7 (MANE Select); coding-DNA position 1419, G replaced by C.
Protein change: p.Gln473His; replaces glutamine 473 with histidine.
Molecular consequence: missense variant.
Genome position (GRCh38, 1-based): chr6:72,182,890, G>C. VCF-style: chr6-72182890-G-C. GRCh37 (hg19) VCF-style: chr6-72892593-G-C.
Other names: c.1419G>C (NM_014989.4); short protein forms Q473H.
Identifiers: ClinVar variation 1941795 (VCV001941795.6), dbSNP rs1430602873, ClinGen allele CA364821342.
Genomic context (GRCh38, chr6:72,182,890, plus strand): 5'-ACATGGGCCGGTTCCCGCAGAAGCCCCGGAGCTCAAAGCCCAGGAGCCCCTCAGGAAGCA[G>C]AGCCGCCTGGACCCCAGCTCGGCGGTCCTCATGCGGAAGGCCAAGCGCGAGAAGGTGGAG-3'
Protein context (NP_055804.2, residues 463-483): ELKAQEPLRK[Gln473His]SRLDPSSAVL

ClinVar aggregate classification (germline): Uncertain significance. Review status: criteria provided, multiple submitters, no conflicts (2 of 4 stars). 2 submissions from 2 submitters: Uncertain significance (2). Last evaluated 2024-01-08.

gnomAD v4.1: 47 of 1,569,970 alleles (0.003%); highest among the groups gnomAD compares: Non-Finnish European, 0.0031%; no homozygotes.

Submissions (2):

Ambry Genetics
Classification: Uncertain significance. Last evaluated: 2024-01-08. Review status: criteria provided, single submitter. Criteria: Ambry Variant Classification Scheme 2023. Collection method: clinical testing. Allele origin: germline.

Labcorp Genetics (formerly Invitae), Labcorp
Classification: Uncertain significance. Last evaluated: 2022-03-09. Review status: criteria provided, single submitter. Criteria: Invitae Variant Classification Sherloc (09022015). Collection method: clinical testing. Allele origin: germline.
Comment: In summary, the available evidence is currently insufficient to determine the role of this variant in disease. Therefore, it has been classified as a Variant of Uncertain Significance. Algorithms developed to predict the effect of missense changes on protein structure and function are either unavailable or do not agree on the potential impact of this missense change (SIFT: "Deleterious"; PolyPhen-2: "Possibly Damaging"; Align-GVGD: "Class C0"). This variant has not been reported in the literature in individuals affected with RIMS1-related conditions. This variant is present in population databases (no rsID available, gnomAD 0.01%). This sequence change replaces glutamine, which is neutral and polar, with histidine, which is basic and polar, at codon 473 of the RIMS1 protein (p.Gln473His).